The following is an entry in ClinVar:

NM_001267550.2(TTN):c.91896_91897insGCCGGGCGCGGTGGCTCACGCCTGTCATCCCAGCACTTTGGGAGGCCGAGGCGGGCGGATCACGAGGTCAGGNNNNNNNNNNAAAAAAAAAAAAAAAAAAAAAAGATTCACCAATATT (p.Thr30633fs)

Genes: TTN (titin; minus strand), TTN-AS1 (TTN antisense RNA 1; plus strand). Cytogenetic location: 2q31.2.
Variant type: Insertion.
Coding change: c.91896_91897insGCCGGGCGCGGTGGCTCACGCCTGTCATCCCAGCACTTTGGGAGGCCGAGGCGGGCGGATCACGAGGTCAGGNNNNNNNNNNAAAAAAAAAAAAAAAAAAAAAAGATTCACCAATATT on transcript NM_001267550.2 (MANE Select); coding-DNA positions 91896 to 91897, GCCGGGCGCGGTGGCTCACGCCTGTCATCCCAGCACTTTGGGAGGCCGAGGCGGGCGGATCACGAGGTCAGGNNNNNNNNNNAAAAAAAAAAAAAAAAAAAAAAGATTCACCAATATT inserted.
Protein change: p.Thr30633fs; shifts the reading frame from threonine 30633.
Molecular consequence: frameshift variant.
Genome position: GRCh38: chr2:178,549,841-178,549,842. GRCh37 (hg19): chr2:179,414,568-179,414,569.
Other names: c.86973_86974insGCCGGGCGCGGTGGCTCACGCCTGTCATCCCAGCACTTTGGGAGGCCGAGGCGGGCGGATCACGAGGTCAGGNNNNNNNNNNAAAAAAAAAAAAAAAAAAAAAAGATTCACCAATATT, p.Thr28992fs (NM_001256850.1); c.64701_64702insGCCGGGCGCGGTGGCTCACGCCTGTCATCCCAGCACTTTGGGAGGCCGAGGCGGGCGGATCACGAGGTCAGGNNNNNNNNNNAAAAAAAAAAAAAAAAAAAAAAGATTCACCAATATT, p.Thr21568fs (NM_003319.4); c.84192_84193insGCCGGGCGCGGTGGCTCACGCCTGTCATCCCAGCACTTTGGGAGGCCGAGGCGGGCGGATCACGAGGTCAGGNNNNNNNNNNAAAAAAAAAAAAAAAAAAAAAAGATTCACCAATATT, p.Thr28065fs (NM_133378.4); c.65076_65077insGCCGGGCGCGGTGGCTCACGCCTGTCATCCCAGCACTTTGGGAGGCCGAGGCGGGCGGATCACGAGGTCAGGNNNNNNNNNNAAAAAAAAAAAAAAAAAAAAAAGATTCACCAATATT, p.Thr21693fs (NM_133432.3); c.65277_65278insGCCGGGCGCGGTGGCTCACGCCTGTCATCCCAGCACTTTGGGAGGCCGAGGCGGGCGGATCACGAGGTCAGGNNNNNNNNNNAAAAAAAAAAAAAAAAAAAAAAGATTCACCAATATT, p.Thr21760fs (NM_133437.4); short protein forms T21568fs, T21693fs, T21760fs, T28065fs, T28992fs, T30633fs.
Identifiers: ClinVar variation 3760039 (VCV003760039.2).

ClinVar aggregate classification (germline): Likely pathogenic (1 of 4 stars; one submission).

Conditions:
Dilated cardiomyopathy 1G (CMD1G). Identifiers: Orphanet 154, MedGen C1858763, MONDO:0011400, OMIM 604145.
Autosomal recessive limb-girdle muscular dystrophy type 2J (LGMDR10). Also called: Limb-girdle muscular dystrophy, type 2J; MUSCULAR DYSTROPHY, LIMB-GIRDLE, AUTOSOMAL RECESSIVE 10. Identifiers: Orphanet 140922, MedGen C1837342, MONDO:0012127, OMIM 608807.

Submission:

Labcorp Genetics (formerly Invitae), Labcorp
Classification: Likely pathogenic for Dilated cardiomyopathy 1G; Autosomal recessive limb-girdle muscular dystrophy type 2J. Last evaluated: 2024-12-12. Review status: criteria provided, single submitter. Criteria: Invitae Variant Classification Sherloc (09022015). Collection method: clinical testing. Allele origin: germline.
Comment: This sequence change inserts a large fragment of DNA, likely a transposable element, in exon 338 of the TTN gene (c.91896_91897ins? ), causing a frameshift at codon 30633 (p.Thr30633fs). The exact size and sequence of the insertion cannot be determined by the current assay. However, the insertion is expected to result in an absent or disrupted protein product. While this is not anticipated to result in nonsense mediated decay, it is expected to create a truncated TTN protein. This variant is not present in population databases (gnomAD no frequency). This variant has not been reported in the literature in individuals affected with TTN-related conditions. This variant is located in the A band of TTN (PMID: 25589632). Truncating variants in this region are significantly overrepresented in patients affected with dilated cardiomyopathy (PMID: 25589632). Truncating variants in this region have also been reported in individuals affected with autosomal recessive centronuclear myopathy (PMID: 23975875). Retrotransposon insertions including LINE1 (L1), Alu, and SVA (SINE-VNTR-Alu) have been reported to disrupt protein function (PMID: 19763152, 20307669, 22406018). However the effect of this particular variant is unknown. In summary, the currently available evidence indicates that the variant is pathogenic, but additional data are needed to prove that conclusively. Therefore, this variant has been classified as Likely Pathogenic.

Literature cited by the submitters: PubMed 25589632; PubMed 23975875; PubMed 19763152; PubMed 20307669; PubMed 22406018.